The following is an entry in ClinVar:

ClinVar aggregate classification (germline): Uncertain significance (1 of 4 stars; one submission).

Conditions:
Neurooculocardiogenitourinary syndrome. Identifiers: Orphanet 684305, MedGen C5231443, MONDO:0032850, OMIM 618652.

Submission:

Laboratorio de Genetica e Diagnostico Molecular, Hospital Israelita Albert Einstein
Classification: Uncertain significance for Neurooculocardiogenitourinary syndrome. Last evaluated: 2024-02-10. Review status: criteria provided, single submitter. Criteria: ACMG Guidelines, 2015. Collection method: clinical testing. Allele origin: germline. Affected: yes.
Comment: ACMG classification criteria: PM2 supporting

NM_014023.4(WDR37):c.421A>C (p.Thr141Pro)

Gene: WDR37 (WD repeat domain 37; plus strand). Cytogenetic location: 10p15.3.
Variant type: single nucleotide variant.
Coding change: c.421A>C on transcript NM_014023.4 (MANE Select); coding-DNA position 421, A replaced by C.
Protein change: p.Thr141Pro; replaces threonine 141 with proline.
Molecular consequence: missense variant.
Genome position (GRCh38, 1-based): chr10:1,084,427, A>C. VCF-style: chr10-1084427-A-C. GRCh37 (hg19) VCF-style: chr10-1130367-A-C.
Other names: short protein forms T141P.
Identifiers: ClinVar variation 4076321 (VCV004076321.1).
Genomic context (GRCh38, chr10:1,084,427, plus strand): 5'-TAAATTGTTTCACAAGACTCCCCATCTTGGTTTCAGATTGTCTCCAGCTTTAAGACCACG[A>C]CATCGAGAGCTGCCTGCCAGCTCGTGAAGGAGTACATCGGCCACCGGGACGGCATCTGGG-3'
Protein context (NP_054742.2, residues 131-151): SKIVSSFKTT[Thr141Pro]SRAACQLVKE